The following is an entry in ClinVar:

ClinVar aggregate classification (germline): Pathogenic (1 of 4 stars; one submission).

Conditions:
Inborn genetic diseases. Identifiers: MedGen C0950123, MeSH D030342.

Submission:

Ambry Genetics
Classification: Pathogenic for Inborn genetic diseases. Last evaluated: 2025-10-14. Review status: criteria provided, single submitter. Criteria: Ambry Variant Classification Scheme 2023. Collection method: clinical testing. Allele origin: germline.
Comment: The c.4138C>T (p.R1380*) alteration, located in exon 32 (coding exon 31) of the SPTAN1 gene, consists of a C to T substitution at nucleotide position 4138. This changes the amino acid from an arginine (R) to a stop codon at amino acid position 1380. This alteration is expected to result in loss of function by premature protein truncation or nonsense-mediated mRNA decay. for SPTAN1-related neurologic disorders; however, its clinical significance for SPTAN1-related developmental and epileptic encephalopathy is uncertain. This variant was not reported in population-based cohorts in the Genome Aggregation Database (gnomAD). Based on the available evidence, this alteration is classified as pathogenic.

NM_001130438.3(SPTAN1):c.4138C>T (p.Arg1380Ter)

Gene: SPTAN1 (spectrin alpha, non-erythrocytic 1; plus strand). Cytogenetic location: 9q34.11.
Variant type: single nucleotide variant.
Coding change: c.4138C>T on transcript NM_001130438.3 (MANE Select); coding-DNA position 4138, C replaced by T.
Protein change: p.Arg1380Ter; replaces arginine 1380 with a stop codon.
Molecular consequence: nonsense.
Genome position (GRCh38, 1-based): chr9:128,607,695, C>T. VCF-style: chr9-128607695-C-T. GRCh37 (hg19) VCF-style: chr9-131369974-C-T.
Other names: c.4138C>T, p.Arg1380Ter (NM_001375310.1, NM_001375311.2, NM_001375313.1 and 4 more transcripts); c.4174C>T, p.Arg1392Ter (NM_001375312.2, NM_001375318.1, NM_001438440.1); c.4078C>T, p.Arg1360Ter (NM_001375314.2, NM_001438441.1, NM_001438442.1 and 3 more transcripts); short protein forms R1380*, R1392*, R1360*.
Identifiers: ClinVar variation 4632082 (VCV004632082.1).